The following is an entry in ClinVar:

NM_003738.5(PTCH2):c.607G>A (p.Ala203Thr)

Gene: PTCH2 (patched 2; minus strand). Cytogenetic location: 1p34.1.
Variant type: single nucleotide variant.
Coding change: c.607G>A on transcript NM_003738.5 (MANE Select); coding-DNA position 607, G replaced by A.
Protein change: p.Ala203Thr; replaces alanine 203 with threonine.
Molecular consequence: missense variant.
Genome position (GRCh38, 1-based): chr1:44,831,716, C>T on the plus strand (G>A on the coding strand, the complement: PTCH2 is on the minus strand). VCF-style: chr1-44831716-C-T. GRCh37 (hg19) VCF-style: chr1-45297388-C-T.
Other names: c.607G>A, p.Ala203Thr (NM_001166292.2); short protein forms A203T.
Identifiers: ClinVar variation 2892747 (VCV002892747.3), dbSNP rs1371740303, ClinGen allele CA340107539.

ClinVar aggregate classification (germline): Uncertain significance (1 of 4 stars; one submission).

Conditions:
Gorlin syndrome. Also called: Nevoid Basal Cell Carcinoma Syndrome; Basal cell nevus syndrome. Identifiers: Orphanet 377, MedGen C0004779, MONDO:0007187.

Allele frequency attached by ClinVar (database versions not stated): TOPMed below 0.00001.
gnomAD v4.1: 19 of 1,558,718 alleles (0.0012%); highest among the groups gnomAD compares: South Asian, 0.0024%; no homozygotes.

Submission:

Labcorp Genetics (formerly Invitae), Labcorp
Classification: Uncertain significance for Gorlin syndrome. Last evaluated: 2023-02-18. Review status: criteria provided, single submitter. Criteria: Invitae Variant Classification Sherloc (09022015). Collection method: clinical testing. Allele origin: germline.
Comment: This sequence change replaces alanine, which is neutral and non-polar, with threonine, which is neutral and polar, at codon 203 of the PTCH2 protein (p.Ala203Thr). In summary, the available evidence is currently insufficient to determine the role of this variant in disease. Therefore, it has been classified as a Variant of Uncertain Significance. Advanced modeling of protein sequence and biophysical properties (such as structural, functional, and spatial information, amino acid conservation, physicochemical variation, residue mobility, and thermodynamic stability) performed at Invitae indicates that this missense variant is not expected to disrupt PTCH2 protein function. This variant has not been reported in the literature in individuals affected with PTCH2-related conditions. The frequency data for this variant in the population databases is considered unreliable, as metrics indicate poor data quality at this position in the gnomAD database.